The following is an entry in ClinVar:

ClinVar aggregate classification (germline): Uncertain significance. Review status: criteria provided, multiple submitters, no conflicts (2 of 4 stars). 7 submissions from 7 submitters: Uncertain significance (7). Last evaluated 2026-09-15.

Conditions:
EGR2-related disorder. Also called: EGR2-related condition.
Inborn genetic diseases. Identifiers: MedGen C0950123, MeSH D030342.
Charcot-Marie-Tooth disease, type I (CMT1). Also called: Charcot-Marie-Tooth disease type 1; Charcot-Marie-Tooth, Type 1. Identifiers: Orphanet 65753, MedGen C0751036, MONDO:0019011.

Allele frequency attached by ClinVar (database versions not stated): gnomAD 0.00001; TOPMed 0.00002; gnomAD exomes 0.00004 and 0.00007; ExAC 0.00010.
gnomAD v4.1: 58 of 1,614,092 alleles (0.0036%); highest among the groups gnomAD compares: Non-Finnish European, 0.0045%; no homozygotes.

Submissions (7):

PreventionGenetics, part of Exact Sciences
Classification: Uncertain significance for EGR2-related condition. Last evaluated: 2026-09-15. Review status: criteria provided, single submitter. Criteria: ACMG Guidelines, 2015. Collection method: clinical testing. Allele origin: germline.
Comment: The EGR2 c.670C>A variant is predicted to result in the amino acid substitution p.Pro224Thr. This variant was reported as a variant of uncertain significance in an individual from a large cohort study of Charcot-Marie-Tooth disease; however, additional evidence was not provided (Supp. Table 2, Volodarsky et al. 2021. PubMed ID: 32376792).This variant is reported in 0.015% of alleles in individuals of European (non-Finnish) descent in gnomAD. At this time, the clinical significance of this variant is uncertain due to the absence of conclusive functional and genetic evidence.

Ambry Genetics
Classification: Uncertain significance for Inborn genetic diseases. Last evaluated: 2025-06-29. Review status: criteria provided, single submitter. Criteria: Ambry Variant Classification Scheme 2023. Collection method: clinical testing. Allele origin: germline.

GeneDx
Classification: Uncertain significance. Last evaluated: 2024-10-30. Review status: criteria provided, single submitter. Criteria: GeneDx Variant Classification Process June 2021. Collection method: clinical testing. Allele origin: germline. Affected: yes.
Comment: Reported in an individual with Charcot-Marie-Tooth disease in published literature; however, no further clinical or segregation information was provided (PMID: 32376792); In silico analysis supports that this missense variant has a deleterious effect on protein structure/function; This variant is associated with the following publications: (PMID: 32376792)

Labcorp Genetics (formerly Invitae), Labcorp
Classification: Uncertain significance for Charcot-Marie-Tooth disease, type I. Last evaluated: 2024-03-20. Review status: criteria provided, single submitter. Criteria: Invitae Variant Classification Sherloc (09022015). Collection method: clinical testing. Allele origin: germline.
Comment: This sequence change replaces proline, which is neutral and non-polar, with threonine, which is neutral and polar, at codon 224 of the EGR2 protein (p.Pro224Thr). This variant is present in population databases (rs758869303, gnomAD 0.01%). This missense change has been observed in individual(s) with clinical features of Charcot-Marie-Tooth disease (PMID: 32376792). ClinVar contains an entry for this variant (Variation ID: 578460). Advanced modeling of protein sequence and biophysical properties (such as structural, functional, and spatial information, amino acid conservation, physicochemical variation, residue mobility, and thermodynamic stability) performed at Invitae indicates that this missense variant is not expected to disrupt EGR2 protein function with a negative predictive value of 80%. In summary, the available evidence is currently insufficient to determine the role of this variant in disease. Therefore, it has been classified as a Variant of Uncertain Significance.

Clinical Genetics Laboratory, Skane University Hospital Lund
Classification: Uncertain significance. Last evaluated: 2023-11-15. Review status: criteria provided, single submitter. Criteria: ACMG Guidelines, 2015. Collection method: clinical testing. Allele origin: germline. Affected: yes.

Athena Diagnostics
Classification: Uncertain significance. Last evaluated: 2020-04-30. Review status: criteria provided, single submitter. Criteria: Athena Diagnostics Criteria. Collection method: clinical testing. Allele origin: unknown.

Mayo Clinic Laboratories, Mayo Clinic
Classification: Uncertain significance. Last evaluated: 2019-05-06. Review status: criteria provided, single submitter. Criteria: ACMG Guidelines, 2015. Collection method: clinical testing. Allele origin: germline. Observed: 1 variant allele.

Literature cited by the submitters: PubMed 32376792 (cited by Labcorp Genetics (formerly Invitae), Labcorp).

NM_000399.5(EGR2):c.670C>A (p.Pro224Thr)

Gene: EGR2 (early growth response 2; minus strand). Cytogenetic location: 10q21.3.
Variant type: single nucleotide variant.
Coding change: c.670C>A on transcript NM_000399.5 (MANE Select); coding-DNA position 670, C replaced by A.
Protein change: p.Pro224Thr; replaces proline 224 with threonine.
Molecular consequence: missense variant.
Genome position (GRCh38, 1-based): chr10:62,813,968, G>T on the plus strand (C>A on the coding strand, the complement: EGR2 is on the minus strand). VCF-style: chr10-62813968-G-T. GRCh37 (hg19) VCF-style: chr10-64573728-G-T.
Other names: c.670C>A, p.Pro224Thr (NM_001136177.3, NM_001136178.2); c.520C>A, p.Pro174Thr (NM_001136179.3, NM_001321037.2); short protein forms P224T, P174T.
Identifiers: ClinVar variation 578460 (VCV000578460.22), dbSNP rs758869303, ClinGen allele CA5517246.